The following is an entry in ClinVar:

ClinVar aggregate classification (germline): Uncertain significance (1 of 4 stars; one submission).

gnomAD v4.1: 1 of 1,614,138 alleles (0.000062%); no homozygotes.

Submission:

Mayo Clinic Laboratories, Mayo Clinic
Classification: Uncertain significance. Last evaluated: 2023-07-11. Review status: criteria provided, single submitter. Criteria: ACMG Guidelines, 2015. Collection method: clinical testing. Allele origin: germline. Observed: 1 variant allele.
Comment: PM2_moderate

NM_003470.3(USP7):c.1664G>A (p.Arg555Gln)

Gene: USP7 (ubiquitin specific peptidase 7; minus strand). Cytogenetic location: 16p13.2.
Variant type: single nucleotide variant.
Coding change: c.1664G>A on transcript NM_003470.3 (MANE Select); coding-DNA position 1664, G replaced by A.
Protein change: p.Arg555Gln; replaces arginine 555 with glutamine.
Molecular consequence: missense variant. On other transcripts: non-coding transcript variant (1).
Genome position (GRCh38, 1-based): chr16:8,904,475, C>T on the plus strand (G>A on the coding strand, the complement: USP7 is on the minus strand). VCF-style: chr16-8904475-C-T. GRCh37 (hg19) VCF-style: chr16-8998332-C-T.
Other names: p.Arg555Gln; c.1616G>A, p.Arg539Gln (NM_001286457.2); c.1367G>A, p.Arg456Gln (NM_001286458.2); c.1490G>A, p.Arg497Gln (NM_001321858.2); short protein forms R456Q, R497Q, R539Q, R555Q.
Identifiers: ClinVar variation 3380372 (VCV003380372.1).